The following is an entry in ClinVar:

ClinVar aggregate classification (germline): Uncertain significance (1 of 4 stars; one submission).

Conditions:
MEGF10-related myopathy (CMYO10A). Also called: Congenital myopathy 10A, severe variant. Identifiers: Orphanet 439212, MedGen C3280679, MONDO:0013731, OMIM 614399.

Allele frequency attached by ClinVar (database versions not stated): gnomAD exomes 0.00001; ExAC 0.00002.
gnomAD v4.1: 14 of 1,612,286 alleles (0.00087%); highest among the groups gnomAD compares: Non-Finnish European, 0.0012%; no homozygotes.

Submission:

Labcorp Genetics (formerly Invitae), Labcorp
Classification: Uncertain significance for MEGF10-related myopathy. Last evaluated: 2022-01-17. Review status: criteria provided, single submitter. Criteria: Invitae Variant Classification Sherloc (09022015). Collection method: clinical testing. Allele origin: germline.
Comment: This sequence change replaces arginine, which is basic and polar, with cysteine, which is neutral and slightly polar, at codon 117 of the MEGF10 protein (p.Arg117Cys). In summary, the available evidence is currently insufficient to determine the role of this variant in disease. Therefore, it has been classified as a Variant of Uncertain Significance. Algorithms developed to predict the effect of missense changes on protein structure and function are either unavailable or do not agree on the potential impact of this missense change (SIFT: "Deleterious"; PolyPhen-2: "Probably Damaging"; Align-GVGD: "Class C0"). This variant has not been reported in the literature in individuals affected with MEGF10-related conditions. This variant is present in population databases (rs775437445, gnomAD 0.004%).

NM_001256545.2(MEGF10):c.349C>T (p.Arg117Cys)

Gene: MEGF10 (multiple EGF like domains 10; plus strand). Cytogenetic location: 5q23.2.
Variant type: single nucleotide variant.
Coding change: c.349C>T on transcript NM_001256545.2 (MANE Select); coding-DNA position 349, C replaced by T.
Protein change: p.Arg117Cys; replaces arginine 117 with cysteine.
Molecular consequence: missense variant.
Genome position (GRCh38, 1-based): chr5:127,369,939, C>T. VCF-style: chr5-127369939-C-T. GRCh37 (hg19) VCF-style: chr5-126705631-C-T.
Other names: c.349C>T, p.Arg117Cys (NM_001308119.2, NM_001308121.2, NM_032446.3); short protein forms R117C.
Identifiers: ClinVar variation 1937801 (VCV001937801.5), dbSNP rs775437445, ClinGen allele CA3391249.